The following is an entry in ClinVar:

NM_000222.3(KIT):c.1621A>C (p.Met541Leu)

Gene: KIT (KIT proto-oncogene, receptor tyrosine kinase; plus strand). Cytogenetic location: 4q12.
Variant type: single nucleotide variant.
Coding change: c.1621A>C on transcript NM_000222.3 (MANE Select); coding-DNA position 1621, A replaced by C.
Protein change: p.Met541Leu; replaces methionine 541 with leucine.
Molecular consequence: missense variant.
Genome position (GRCh38, 1-based): chr4:54,727,298, A>C. VCF-style: chr4-54727298-A-C. GRCh37 (hg19) VCF-style: chr4-55593464-A-C.
Other names: c.1609A>C, p.Met537Leu (NM_001093772.2, NM_001385286.1); c.1624A>C, p.Met542Leu (NM_001385284.1, NM_001385290.1); c.1621A>C, p.Met541Leu (NM_001385285.1); c.1612A>C, p.Met538Leu (NM_001385288.1, NM_001385292.1); short protein forms M541L, M537L, M538L, M542L.
Identifiers: ClinVar variation 41599 (VCV000041599.31), dbSNP rs3822214, ClinGen allele CA160347.

ClinVar aggregate classification (germline): Benign/Likely benign. Review status: criteria provided, multiple submitters, no conflicts (2 of 4 stars). 17 submissions from 15 submitters: Benign (8); Likely benign (4). 5 of the submissions do not count toward it. Last evaluated 2026-06-04.

Conditions:
Lip and oral cavity carcinoma. Identifiers: MedGen C0220641, MONDO:0023644.
Hereditary cancer-predisposing syndrome. Also called: Tumor predisposition; Neoplastic Syndromes, Hereditary; Hereditary neoplastic syndrome; Hereditary Cancer Syndrome. Identifiers: Orphanet 140162, MedGen C0027672, MeSH D009386, MONDO:0015356.
Mastocytosis. Also called: Mast Cell Disease. Identifiers: Orphanet 98292, MedGen C0024899, MONDO:0007950, HP:0100495.
Gastrointestinal stromal tumor. Also called: Gastrointestinal stromal tumor, somatic; Gastrointestinal stroma tumor. Identifiers: Orphanet 44890, MedGen C0238198, MeSH D046152, MONDO:0011719, OMIM 606764, HP:0100723.
Piebaldism. Also called: Piebald skin depigmentation. Identifiers: Orphanet 2884, MedGen C0080024, MONDO:0008244, OMIM 172800, HP:0007544.

Allele frequency attached by ClinVar (database versions not stated): 1000 Genomes Project 0.06450; 1000 Genomes Project 30x 0.06465; gnomAD 0.07727 and 0.07734; ExAC 0.07889; TOPMed 0.07942; ESP Exome Variant Server 0.09549.
gnomAD v4.1: 153,825 of 1,613,890 alleles (9.5%); highest among the groups gnomAD compares: Non-Finnish European, 11%; 7,906 homozygotes.

Submissions (17):

Myriad Genetics, Inc.
Classification: Benign for Gastrointestinal stromal tumor. Last evaluated: 2026-06-04. Review status: criteria provided, single submitter. Criteria: Myriad Autosomal Dominant, Autosomal Recessive and X-Linked Classification Criteria (2023). Collection method: clinical testing. Allele origin: unknown.
Comment: This variant is considered benign. This variant has been observed at a population frequency that is significantly greater than expected given the associated disease prevalence and penetrance.

Labcorp Genetics (formerly Invitae), Labcorp
Classification: Benign for Gastrointestinal stromal tumor. Last evaluated: 2026-02-04. Review status: criteria provided, single submitter. Criteria: Invitae Variant Classification Sherloc (09022015). Collection method: clinical testing. Allele origin: germline.

Blueprint Genetics
Classification: Benign. Last evaluated: 2024-11-26. Review status: criteria provided, single submitter. Criteria: ACMG Guidelines, 2015. Collection method: clinical testing. Allele origin: germline.

KCCC/NGS Laboratory, Kuwait Cancer Control Center
Classification: Benign for Gastrointestinal stromal tumor. Last evaluated: 2023-07-07. Review status: criteria provided, single submitter. Criteria: ACMG Guidelines, 2015. Collection method: clinical testing. Allele origin: germline. Affected: yes.

Mayo Clinic Laboratories, Mayo Clinic
Classification: Benign. Last evaluated: 2021-12-30. Review status: criteria provided, single submitter. Criteria: ACMG Guidelines, 2015. Collection method: clinical testing. Allele origin: germline. Observed: 95 variant alleles.
Comment: BA1

Ambry Genetics
Classification: Benign for Hereditary cancer-predisposing syndrome. Last evaluated: 2019-05-08. Review status: criteria provided, single submitter. Criteria: Ambry Variant Classification Scheme 2023. Collection method: clinical testing. Allele origin: germline.

GeneDx
Classification: Benign. Last evaluated: 2018-06-22. Review status: criteria provided, single submitter. Criteria: GeneDx Variant Classification Process June 2021. Collection method: clinical testing. Allele origin: germline. Affected: yes.
Comment: This variant is associated with the following publications: (PMID: 27153395, 18795925, 24728327, 22703879)

Illumina Laboratory Services, Illumina
Classification: Likely benign for Gastrointestinal stromal tumor. Last evaluated: 2017-04-27. Review status: criteria provided, single submitter. Criteria: ICSL Variant Classification Criteria 13 December 2019. Collection method: clinical testing. Allele origin: germline.
Comment: This variant was observed as part of a predisposition screen in an ostensibly healthy population. A literature search was performed for the gene, cDNA change, and amino acid change (where applicable). No publications were found based on this search. Allele frequency data from public databases allowed determination this variant is unlikely to cause disease. Therefore, this variant is classified as likely benign.

Illumina Laboratory Services, Illumina
Classification: Likely benign for Cutaneous mastocytosis. Last evaluated: 2017-04-27. Review status: criteria provided, single submitter. Criteria: ICSL Variant Classification Criteria 13 December 2019. Collection method: clinical testing. Allele origin: germline.
Comment: the same text as in the submission from Illumina Laboratory Services, Illumina above.

Illumina Laboratory Services, Illumina
Classification: Likely benign for Piebaldism. Last evaluated: 2017-04-27. Review status: criteria provided, single submitter. Criteria: ICSL Variant Classification Criteria 13 December 2019. Collection method: clinical testing. Allele origin: germline.
Comment: the same text as in the submission from Illumina Laboratory Services, Illumina above.

Breakthrough Genomics
Classification: Likely benign. Review status: criteria provided, single submitter. Criteria: ACMG Guidelines, 2015. Collection method: not provided. Allele origin: germline. Inheritance: Autosomal dominant inheritance. Affected: yes.

PreventionGenetics, part of Exact Sciences
Classification: Benign. Review status: criteria provided, single submitter. Criteria: ACMG Guidelines, 2015. Collection method: clinical testing. Allele origin: germline.

Institute of Medical Sciences, Banaras Hindu University
Classification: Pathogenic for Lip and oral cavity carcinoma. Last evaluated: 2019-04-30. Review status: no assertion criteria provided. Collection method: research. Allele origin: somatic. Affected: yes. Not counted in ClinVar's aggregate classification.

ITMI
No classification provided. Condition: AllHighlyPenetrant. Last evaluated: 2013-09-19. Review status: no classification provided. Collection method: reference population. Allele origin: germline. Not counted in ClinVar's aggregate classification.
Comment: Please see associated publication for description of ethnicities

Biesecker Lab/Clinical Genomics Section, National Institutes of Health
Classification: Benign. Last evaluated: 2012-07-13. Review status: no assertion criteria provided. Collection method: research. Allele origin: germline. Affected: no. Observed: 113 variant alleles. Study: ClinSeq. Not counted in ClinVar's aggregate classification.
ClinVar note: Converted during submission from no known pathogenicity to Benign.

Genome Diagnostics Laboratory, University Medical Center Utrecht
Classification: Benign. Review status: no assertion criteria provided. Collection method: clinical testing. Allele origin: germline. Affected: yes. Study: VKGL Data-share Consensus. Not counted in ClinVar's aggregate classification.

Joint Genome Diagnostic Labs from Nijmegen and Maastricht, Radboudumc and MUMC+
Classification: Benign. Review status: no assertion criteria provided. Collection method: clinical testing. Allele origin: germline. Affected: yes. Study: VKGL Data-share Consensus. Not counted in ClinVar's aggregate classification.

Literature cited by the submitters: PubMed 31775759 (cited by Institute of Medical Sciences, Banaras Hindu University); PubMed 24728327 (cited by ITMI).